The following is an entry in ClinVar:

ClinVar aggregate classification (germline): Uncertain significance (1 of 4 stars; one submission).

Conditions:
Autoimmune lymphoproliferative syndrome type 2B. Also called: AUTOIMMUNE LYMPHOPROLIFERATIVE SYNDROME, TYPE IIB. Identifiers: Orphanet 275517, MedGen C1846545, MONDO:0011804, OMIM 607271.

Allele frequency attached by ClinVar (database versions not stated): gnomAD exomes 0.00001; ExAC 0.00002; gnomAD 0.00003; TOPMed 0.00004; ESP Exome Variant Server 0.00008.

Submission:

Labcorp Genetics (formerly Invitae), Labcorp
Classification: Uncertain significance for Autoimmune lymphoproliferative syndrome type 2B. Last evaluated: 2022-01-01. Review status: criteria provided, single submitter. Criteria: Invitae Variant Classification Sherloc (09022015). Collection method: clinical testing. Allele origin: germline.
Comment: This sequence change replaces arginine, which is basic and polar, with serine, which is neutral and polar, at codon 33 of the CASP8 protein (p.Arg33Ser). This variant is present in population databases (rs138862018, gnomAD 0.01%). This variant has not been reported in the literature in individuals affected with CASP8-related conditions. Algorithms developed to predict the effect of missense changes on protein structure and function (SIFT, PolyPhen-2, Align-GVGD) all suggest that this variant is likely to be tolerated. Algorithms developed to predict the effect of sequence changes on RNA splicing suggest that this variant may create or strengthen a splice site. In summary, the available evidence is currently insufficient to determine the role of this variant in disease. Therefore, it has been classified as a Variant of Uncertain Significance.

NM_001372051.1(CASP8):c.99G>T (p.Arg33Ser)

Gene: CASP8 (caspase 8; plus strand). Cytogenetic location: 2q33.1.
Variant type: single nucleotide variant.
Coding change: c.99G>T on transcript NM_001372051.1 (MANE Select); coding-DNA position 99, G replaced by T.
Protein change: p.Arg33Ser; replaces arginine 33 with serine.
Molecular consequence: missense variant. On other transcripts: 5 prime UTR variant (9), non-coding transcript variant (22), intron variant (3).
Genome position (GRCh38, 1-based): chr2:201,266,585, G>T. VCF-style: chr2-201266585-G-T. GRCh37 (hg19) VCF-style: chr2-202131308-G-T.
Other names: c.99G>T, p.Arg33Ser (NM_001400659.1, NM_001400660.1, NM_001400666.1 and 21 more transcripts); c.276G>T, p.Arg92Ser (NM_001400665.1, NM_001080125.2, NM_001400642.1); c.-434G>T (NM_001400671.1, NM_001400673.1, NM_001400676.1 and 4 more transcripts); c.-615G>T (NM_001400674.1); c.-513G>T (NM_001400680.1); c.-4-4931G>T (NM_001400669.1); c.-227-4931G>T (NM_001400672.1, NM_001400675.1); short protein forms R33S, R92S.
Identifiers: ClinVar variation 2081380 (VCV002081380.1), dbSNP rs138862018, ClinGen allele CA2053445.